The following is an entry in ClinVar:

ClinVar aggregate classification (germline): Uncertain significance (1 of 4 stars; one submission).

Conditions:
PKD1-related disorder. Also called: PKD1-related condition.

gnomAD v4.1: 37 of 1,609,368 alleles (0.0023%); highest among the groups gnomAD compares: Non-Finnish European, 0.0031%; no homozygotes.

Submission:

PreventionGenetics, part of Exact Sciences
Classification: Uncertain significance for PKD1-related condition. Last evaluated: 2025-03-27. Review status: criteria provided, single submitter. Criteria: ACMG Guidelines, 2015. Collection method: clinical testing. Allele origin: germline.
Comment: The PKD1 c.7618C>T variant is predicted to result in the amino acid substitution p.Pro2540Ser. To our knowledge, this variant has not been reported in the literature. This variant is reported in 0.00095% of alleles in individuals of European (Non-Finnish) descent in gnomAD. Of note, a different substitution at the same codon, defined as c.7619C>G (p.Pro2540Arg), was reported in an individual with autosomal dominant polycystic kidney disease (ADPKD) (Supplementary Table 3, Mantovani et al. 2020. PubMed ID: 32457805). At this time, the clinical significance of the c.7618C>T (p.Pro2540Ser) variant is uncertain due to the absence of conclusive functional and genetic evidence.

NM_001009944.3(PKD1):c.7618C>T (p.Pro2540Ser)

Gene: PKD1 (polycystin 1, transient receptor potential channel interacting; minus strand). Cytogenetic location: 16p13.3.
Variant type: single nucleotide variant.
Coding change: c.7618C>T on transcript NM_001009944.3 (MANE Select); coding-DNA position 7618, C replaced by T.
Protein change: p.Pro2540Ser; replaces proline 2540 with serine.
Molecular consequence: missense variant.
Genome position (GRCh38, 1-based): chr16:2,106,176, G>A on the plus strand (C>T on the coding strand, the complement: PKD1 is on the minus strand). VCF-style: chr16-2106176-G-A. GRCh37 (hg19) VCF-style: chr16-2156177-G-A.
Other names: c.7618C>T, p.Pro2540Ser (NM_000296.4); short protein forms P2540S.
Identifiers: ClinVar variation 4984865 (VCV004984865.1).